The following is an entry in ClinVar:

ClinVar aggregate classification (germline): Uncertain significance (1 of 4 stars; one submission).

Conditions:
EYS-related disorder. Also called: EYS-related condition.

Allele frequency attached by ClinVar (database versions not stated): gnomAD exomes below 0.00001.
gnomAD v4.1: 2 of 1,551,442 alleles (0.00013%); highest among the groups gnomAD compares: Non-Finnish European, 0.00017%; no homozygotes.

Submission:

PreventionGenetics, part of Exact Sciences
Classification: Uncertain significance for EYS-related condition. Last evaluated: 2023-03-24. Review status: criteria provided, single submitter. Criteria: ACMG Guidelines, 2015. Collection method: clinical testing. Allele origin: germline.
Comment: The EYS c.8906A>T variant is predicted to result in the amino acid substitution p.Asp2969Val. To our knowledge, this variant has not been reported in the literature or in a large population database, indicating this variant is rare. At this time, the clinical significance of this variant is uncertain due to the absence of conclusive functional and genetic evidence.

NM_001142800.2(EYS):c.8906A>T (p.Asp2969Val)

Genes: EYS (eyes shut homolog; minus strand), PHF3 (PHD finger protein 3; plus strand). Cytogenetic location: 6q12.
Variant type: single nucleotide variant.
Coding change: c.8906A>T on transcript NM_001142800.2 (MANE Select); coding-DNA position 8906, A replaced by T.
Protein change: p.Asp2969Val; replaces aspartic acid 2969 with valine.
Molecular consequence: missense variant. On other transcripts: 3 prime UTR variant (5).
Genome position (GRCh38, 1-based): chr6:63,721,125, T>A on the plus strand (A>T on the coding strand, the complement: EYS is on the minus strand). VCF-style: chr6-63721125-T-A. GRCh37 (hg19) VCF-style: chr6-64431021-T-A.
Other names: c.*7417T>A (NM_001290259.2, NM_001370348.2, NM_001370349.2 and 2 more transcripts); c.8969A>T, p.Asp2990Val (NM_001292009.2); short protein forms D2969V, D2990V.
Identifiers: ClinVar variation 2636212 (VCV002636212.1), dbSNP rs1768366640, ClinGen allele CA364383704.